The following is an entry in ClinVar:

ClinVar aggregate classification (germline): Uncertain significance (1 of 4 stars; one submission).

Conditions:
Cardiovascular phenotype. Identifiers: MedGen CN230736.

Submission:

Ambry Genetics
Classification: Uncertain significance for Cardiovascular phenotype. Last evaluated: 2024-07-28. Review status: criteria provided, single submitter. Criteria: Ambry Variant Classification Scheme 2023. Collection method: clinical testing. Allele origin: germline.
Comment: The p.N354K variant (also known as c.1062T>G), located in coding exon 10 of the PRDM5 gene, results from a T to G substitution at nucleotide position 1062. The asparagine at codon 354 is replaced by lysine, an amino acid with similar properties. This amino acid position is conserved. In addition, this alteration is predicted to be tolerated by in silico analysis. Based on the available evidence, the clinical significance of this variant remains unclear.

NM_018699.4(PRDM5):c.1062T>G (p.Asn354Lys)

Gene: PRDM5 (PR/SET domain 5; minus strand). Cytogenetic location: 4q27.
Variant type: single nucleotide variant.
Coding change: c.1062T>G on transcript NM_018699.4 (MANE Select); coding-DNA position 1062, T replaced by G.
Protein change: p.Asn354Lys; replaces asparagine 354 with lysine.
Molecular consequence: missense variant.
Genome position (GRCh38, 1-based): chr4:120,798,393, A>C on the plus strand (T>G on the coding strand, the complement: PRDM5 is on the minus strand). VCF-style: chr4-120798393-A-C. GRCh37 (hg19) VCF-style: chr4-121719548-A-C.
Other names: c.969T>G, p.Asn323Lys (NM_001300823.2, NM_001300824.2, NM_001379106.1); c.1095T>G, p.Asn365Lys (NM_001379104.1); short protein forms N323K, N354K, N365K.
Identifiers: ClinVar variation 3424707 (VCV003424707.1).